The following is an entry in ClinVar:

NM_001378120.1(MBD5):c.4475T>G (p.Ile1492Ser)

Gene: MBD5 (methyl-CpG binding domain protein 5; plus strand). Cytogenetic location: 2q23.1.
Variant type: single nucleotide variant.
Coding change: c.4475T>G on transcript NM_001378120.1 (MANE Select); coding-DNA position 4475, T replaced by G.
Protein change: p.Ile1492Ser; replaces isoleucine 1492 with serine.
Molecular consequence: missense variant.
Genome position (GRCh38, 1-based): chr2:148,490,107, T>G. VCF-style: chr2-148490107-T-G. GRCh37 (hg19) VCF-style: chr2-149247676-T-G.
Other names: c.3776T>G, p.Ile1259Ser (NM_018328.5); short protein forms I1259S, I1492S.
Identifiers: ClinVar variation 194105 (VCV000194105.15), dbSNP rs762922278, ClinGen allele CA239928.

ClinVar aggregate classification (germline): Conflicting classifications of pathogenicity. Review status: criteria provided, conflicting classifications (1 of 4 stars). 3 submissions from 3 submitters: Uncertain significance (2); Likely benign (1). Last evaluated 2020-04-26.

Conditions:
Intellectual developmental disorder, autosomal dominant 1. Also called: MBD5 Haploinsufficiency; Intellectual disability, autosomal dominant 1. Identifiers: Orphanet 228402, MedGen C1969562, MONDO:0007974, OMIM 156200.

Allele frequency attached by ClinVar (database versions not stated): gnomAD exomes below 0.00001.
gnomAD v4.1: 1 of 1,613,652 alleles (0.000062%); highest among the groups gnomAD compares: Non-Finnish European, 0.000085%; no homozygotes.

Submissions (3):

Labcorp Genetics (formerly Invitae), Labcorp
Classification: Likely benign for Intellectual developmental disorder, autosomal dominant 1. Last evaluated: 2020-04-26. Review status: criteria provided, single submitter. Criteria: Invitae Variant Classification Sherloc (09022015). Collection method: clinical testing. Allele origin: germline.

GeneDx
Classification: Uncertain significance. Last evaluated: 2019-02-07. Review status: criteria provided, single submitter. Criteria: GeneDx Variant Classification Process June 2021. Collection method: clinical testing. Allele origin: germline. Affected: yes.
Comment: Not observed in large population cohorts (Lek et al., 2016); In silico analysis, which includes protein predictors and evolutionary conservation, supports that this variant does not alter protein structure/function; Has not been previously published as pathogenic or benign to our knowledge

Eurofins Ntd Llc (ga)
Classification: Uncertain significance. Last evaluated: 2015-03-26. Review status: criteria provided, single submitter. Criteria: EGL Classification Definitions 2015. Collection method: clinical testing. Allele origin: germline. Observed: 2 variant alleles, 2 heterozygotes.